The following is an entry in ClinVar:

ClinVar aggregate classification (germline): Uncertain significance (1 of 4 stars; one submission).

Allele frequency attached by ClinVar (database versions not stated): gnomAD 0.00001; TOPMed 0.00001.

Submission:

Greenwood Genetic Center Diagnostic Laboratories, Greenwood Genetic Center
Classification: Uncertain significance. Last evaluated: 2022-06-30. Review status: criteria provided, single submitter. Criteria: ACMG Guidelines, 2015. Collection method: clinical testing. Allele origin: germline. Affected: yes.
Comment: PM2

NM_138576.4(BCL11B):c.461C>T (p.Ala154Val)

Gene: BCL11B (BCL11 transcription factor B; minus strand). Cytogenetic location: 14q32.2.
Variant type: single nucleotide variant.
Coding change: c.461C>T on transcript NM_138576.4 (MANE Select); coding-DNA position 461, C replaced by T.
Protein change: p.Ala154Val; replaces alanine 154 with valine.
Molecular consequence: missense variant. On other transcripts: intron variant (2).
Genome position (GRCh38, 1-based): chr14:99,231,524, G>A on the plus strand (C>T on the coding strand, the complement: BCL11B is on the minus strand). VCF-style: chr14-99231524-G-A. GRCh37 (hg19) VCF-style: chr14-99697861-G-A.
Other names: c.458C>T, p.Ala153Val (NM_001282237.2); c.424+25947C>T (NM_001282238.2); c.427+25947C>T (NM_022898.3); short protein forms A153V, A154V.
Identifiers: ClinVar variation 1703136 (VCV001703136.3), dbSNP rs867773884, ClinGen allele CA266104614.
Genomic context (GRCh38, chr14:99,231,524, plus strand): 5'-AGGGCACGCAGAGGTGAAGTGATCACGGATGAGTGAGGGTGGGAGGAGGCAGCTATGGGG[G>A]CCACCGCTGGCAGCTGGGCAGGCCTGCACGGCCCTGGAGAAAAAACAATAGAAAAGACTG-3'
Protein context (NP_612808.1, residues 144-164): PCRPAQLPAV[Ala154Val]PIAASSHPHS